The following is an entry in ClinVar:

ClinVar aggregate classification (germline): Pathogenic (1 of 4 stars; one submission).

Conditions:
Hereditary cancer-predisposing syndrome. Also called: Hereditary Cancer Syndrome; Hereditary neoplastic syndrome; Neoplastic Syndromes, Hereditary; Tumor predisposition. Identifiers: Orphanet 140162, MedGen C0027672, MeSH D009386, MONDO:0015356.

Submission:

Ambry Genetics
Classification: Pathogenic for Hereditary cancer-predisposing syndrome. Last evaluated: 2020-01-24. Review status: criteria provided, single submitter. Criteria: Ambry Variant Classification Scheme 2023. Collection method: clinical testing. Allele origin: germline.
Comment: The c.4253delT pathogenic mutation, located in coding exon 10 of the BRCA2 gene, results from a deletion of one nucleotide at nucleotide position 4253, causing a translational frameshift with a predicted alternate stop codon (p.I1418Kfs*30). This alteration is expected to result in loss of function by premature protein truncation or nonsense-mediated mRNA decay. As such, this alteration is interpreted as a disease-causing mutation.

NM_000059.4(BRCA2):c.4253del (p.Ile1418fs)

Gene: BRCA2 (BRCA2 DNA repair associated; plus strand). Cytogenetic location: 13q13.1.
Variant type: Deletion.
Coding change: c.4253del on transcript NM_000059.4 (MANE Select); coding-DNA position 4253, one base deleted (T; older notation c.4253delT).
Protein change: p.Ile1418fs; shifts the reading frame from isoleucine 1418.
Molecular consequence: frameshift variant.
Genome position (GRCh38, 1-based): chr13:32,338,608, T deleted. VCF-style (leftmost placement, unchanged base first): chr13-32338607-AT-A. GRCh37 (hg19) VCF-style: chr13-32912744-AT-A.
Other names: c.4253delT, p.Ile1418Lysfs (NM_001406719.1, NM_001406720.1); short protein forms I1418fs.
Identifiers: ClinVar variation 1739107 (VCV001739107.2), dbSNP rs2548527986, ClinGen allele CA2580087267.